The following is an entry in ClinVar:

NM_001321075.3(DLG4):c.957C>A (p.Gly319=)

Genes: DLG4 (discs large MAGUK scaffold protein 4; minus strand), LOC126862479 (MED14-independent group 3 enhancer GRCh37_chr17:7099412-7100611; plus strand). Cytogenetic location: 17p13.1.
Variant type: single nucleotide variant.
Coding change: c.957C>A on transcript NM_001321075.3 (MANE Select); coding-DNA position 957, C replaced by A.
Protein change: p.Gly319=; no amino-acid change (glycine 319 retained).
Molecular consequence: synonymous variant. On other transcripts: non-coding transcript variant (1).
Genome position (GRCh38, 1-based): chr17:7,196,883, G>T on the plus strand (C>A on the coding strand, the complement: DLG4 is on the minus strand). VCF-style: chr17-7196883-G-T. GRCh37 (hg19) VCF-style: chr17-7100202-G-T.
Other names: c.948C>A, p.Gly316= (NM_001128827.4); c.1077C>A, p.Gly359= (NM_001321074.1); c.777C>A, p.Gly259= (NM_001321076.3, NM_001321077.3); c.1086C>A, p.Gly362= (NM_001365.5); c.876C>A, p.Gly292= (NM_001369566.3).
Identifiers: ClinVar variation 4822973 (VCV004822973.4).

ClinVar aggregate classification (germline): Likely benign (1 of 4 stars; one submission).

Submission:

CeGaT Center for Human Genetics Tuebingen
Classification: Likely benign. Last evaluated: 2026-01-01. Review status: criteria provided, single submitter. Criteria: CeGaT Center For Human Genetics Tuebingen Variant Classification Criteria Version 2. Collection method: clinical testing. Allele origin: germline. Affected: yes. Observed: 1 variant allele.
Comment: DLG4: PM2:Supporting, BP4, BP7